The following is an entry in ClinVar:

ClinVar aggregate classification (germline): Uncertain significance. Review status: criteria provided, multiple submitters, no conflicts (2 of 4 stars). 5 submissions from 5 submitters: Uncertain significance (5). Last evaluated 2024-12-02.

Conditions:
Hereditary cancer-predisposing syndrome. Also called: Neoplastic Syndromes, Hereditary; Tumor predisposition; Hereditary Cancer Syndrome; Hereditary neoplastic syndrome. Identifiers: Orphanet 140162, MedGen C0027672, MeSH D009386, MONDO:0015356.
Familial cancer of breast. Also called: BREAST CANCER, FAMILIAL; Hereditary breast cancer; hereditary breast carcinoma. Identifiers: Orphanet 227535, MedGen C0346153, MONDO:0016419, OMIM 114480. Disease mechanism: loss of function.

Allele frequency attached by ClinVar (database versions not stated): gnomAD exomes below 0.00001.
gnomAD v4.1: 1 of 1,595,144 alleles (0.000063%); no homozygotes.

Submissions (5):

Molecular Pathology, Peter Maccallum Cancer Centre
Classification: Uncertain significance for Familial cancer of breast. Last evaluated: 2024-12-02. Review status: criteria provided, single submitter. Criteria: ACMG Guidelines, 2015. Collection method: clinical testing. Allele origin: germline. Inheritance: Autosomal dominant inheritance.

Ambry Genetics
Classification: Uncertain significance for Hereditary cancer-predisposing syndrome. Last evaluated: 2024-09-02. Review status: criteria provided, single submitter. Criteria: Ambry Variant Classification Scheme 2023. Collection method: clinical testing. Allele origin: germline.
Comment: The p.H483Y variant (also known as c.1447C>T), located in coding exon 12 of the CHEK2 gene, results from a C to T substitution at nucleotide position 1447. The histidine at codon 483 is replaced by tyrosine, an amino acid with similar properties. This amino acid position is highly conserved in available vertebrate species. In addition, this alteration is predicted to be deleterious by in silico analysis. Since supporting evidence is limited at this time, the clinical significance of this alteration remains unclear.

Labcorp Genetics (formerly Invitae), Labcorp
Classification: Uncertain significance for Familial cancer of breast. Last evaluated: 2024-02-16. Review status: criteria provided, single submitter. Criteria: Invitae Variant Classification Sherloc (09022015). Collection method: clinical testing. Allele origin: germline.
Comment: This sequence change replaces histidine, which is basic and polar, with tyrosine, which is neutral and polar, at codon 483 of the CHEK2 protein (p.His483Tyr). This variant is not present in population databases (gnomAD no frequency). This variant has not been reported in the literature in individuals affected with CHEK2-related conditions. ClinVar contains an entry for this variant (Variation ID: 187122). An algorithm developed to predict the effect of missense changes on protein structure and function (PolyPhen-2) suggests that this variant is likely to be disruptive. In summary, the available evidence is currently insufficient to determine the role of this variant in disease. Therefore, it has been classified as a Variant of Uncertain Significance.

Women's Health and Genetics/Laboratory Corporation of America, LabCorp
Classification: Uncertain significance. Last evaluated: 2021-12-16. Review status: criteria provided, single submitter. Criteria: LabCorp Variant Classification Summary - May 2015. Collection method: clinical testing. Allele origin: germline.

GeneDx
Classification: Uncertain significance. Last evaluated: 2017-10-24. Review status: criteria provided, single submitter. Criteria: GeneDx Variant Classification (06012015). Collection method: clinical testing. Allele origin: germline. Affected: yes.
Comment: This variant is denoted CHEK2 c.1447C>T at the cDNA level, p.His483Tyr (H483Y) at the protein level, and results in the change of a Histidine to a Tyrosine (CAC>TAC). This variant has not, to our knowledge, been published in the literature as pathogenic or benign. CHEK2 His483Tyr was not observed in large population cohorts (Lek 2016). Since Histidine and Tyrosine differ in polarity, charge, size or other properties, this is considered a non-conservative amino acid substitution. CHEK2 His483Tyr occurs at a position that is conserved across species and is located in the protein kinase domain (Cai 2009, Roeb 2012). In silico analyses predict that this variant is probably damaging to protein structure and function. Based on currently available evidence, it is unclear whether CHEK2 His483Tyr is a pathogenic or benign variant. We consider it to be a variant of uncertain significance.

NM_007194.4(CHEK2):c.1447C>T (p.His483Tyr)

Gene: CHEK2 (checkpoint kinase 2; minus strand). Cytogenetic location: 22q12.1.
Variant type: single nucleotide variant.
Coding change: c.1447C>T on transcript NM_007194.4 (MANE Select); coding-DNA position 1447, C replaced by T.
Protein change: p.His483Tyr; replaces histidine 483 with tyrosine.
Molecular consequence: missense variant.
Genome position (GRCh38, 1-based): chr22:28,694,046, G>A on the plus strand (C>T on the coding strand, the complement: CHEK2 is on the minus strand). VCF-style: chr22-28694046-G-A. GRCh37 (hg19) VCF-style: chr22-29090034-G-A.
Other names: c.1576C>T, p.His526Tyr (NM_001005735.3); c.784C>T, p.His262Tyr (NM_001257387.3); c.1246C>T, p.His416Tyr (NM_001349956.3); c.1360C>T, p.His454Tyr (NM_145862.3); short protein forms H483Y, H262Y, H454Y, H526Y, H416Y.
Identifiers: ClinVar variation 187122 (VCV000187122.17), dbSNP rs786203490, ClinGen allele CA196787.